The following is an entry in ClinVar:

ClinVar aggregate classification (germline): Uncertain significance (1 of 4 stars; one submission).

Conditions:
Hereditary cancer-predisposing syndrome. Also called: Neoplastic Syndromes, Hereditary; Tumor predisposition; Hereditary Cancer Syndrome; Hereditary neoplastic syndrome. Identifiers: Orphanet 140162, MedGen C0027672, MeSH D009386, MONDO:0015356.

Submission:

Ambry Genetics
Classification: Uncertain significance for Hereditary cancer-predisposing syndrome. Last evaluated: 2025-12-04. Review status: criteria provided, single submitter. Criteria: Ambry Variant Classification Scheme 2023. Collection method: clinical testing. Allele origin: germline.
Comment: The p.T661S variant (also known as c.1982C>G), located in coding exon 13 of the KIT gene, results from a C to G substitution at nucleotide position 1982. The threonine at codon 661 is replaced by serine, an amino acid with similar properties. This amino acid position is conserved. In addition, the in silico prediction for this alteration is inconclusive. Based on the available evidence, the clinical significance of this variant remains unclear.

NM_000222.3(KIT):c.1982C>G (p.Thr661Ser)

Gene: KIT (KIT proto-oncogene, receptor tyrosine kinase; plus strand). Cytogenetic location: 4q12.
Variant type: single nucleotide variant.
Coding change: c.1982C>G on transcript NM_000222.3 (MANE Select); coding-DNA position 1982, C replaced by G.
Protein change: p.Thr661Ser; replaces threonine 661 with serine.
Molecular consequence: missense variant.
Genome position (GRCh38, 1-based): chr4:54,728,113, C>G. VCF-style: chr4-54728113-C-G. GRCh37 (hg19) VCF-style: chr4-55594279-C-G.
Other names: c.1970C>G, p.Thr657Ser (NM_001093772.2, NM_001385286.1); c.1985C>G, p.Thr662Ser (NM_001385284.1, NM_001385290.1); c.1982C>G, p.Thr661Ser (NM_001385285.1); c.1973C>G, p.Thr658Ser (NM_001385288.1, NM_001385292.1); short protein forms T661S, T662S, T657S, T658S.
Identifiers: ClinVar variation 4645428 (VCV004645428.1).
Genomic context (GRCh38, chr4:54,728,113, plus strand): 5'-TCAAAGTCCTGAGTTACCTTGGTAATCACATGAATATTGTGAATCTACTTGGAGCCTGCA[C>G]CATTGGAGGTAAAGCCGTGTCCAAGCTGCCTTTTATTGTCTGTCAGGTTATCAAAACATG-3'
Protein context (NP_000213.1, residues 651-671): MNIVNLLGAC[Thr661Ser]IGGPTLVITE